The following is an entry in ClinVar:

NM_000059.4(BRCA2):c.5788T>G (p.Leu1930Val)

Gene: BRCA2 (BRCA2 DNA repair associated; plus strand). Cytogenetic location: 13q13.1.
Variant type: single nucleotide variant.
Coding change: c.5788T>G on transcript NM_000059.4 (MANE Select); coding-DNA position 5788, T replaced by G.
Protein change: p.Leu1930Val; replaces leucine 1930 with valine.
Molecular consequence: missense variant.
Genome position (GRCh38, 1-based): chr13:32,340,143, T>G. VCF-style: chr13-32340143-T-G. GRCh37 (hg19) VCF-style: chr13-32914280-T-G.
Other names: short protein forms L1930V.
Identifiers: ClinVar variation 921273 (VCV000921273.13), dbSNP rs2072538460, ClinGen allele CA387787165.

ClinVar aggregate classification (germline): Conflicting classifications of pathogenicity. Review status: criteria provided, conflicting classifications (1 of 4 stars). 3 submissions from 3 submitters: Uncertain significance (2); Likely benign (1). Last evaluated 2023-09-15.

Conditions:
Hereditary cancer-predisposing syndrome. Also called: Neoplastic Syndromes, Hereditary; Tumor predisposition; Hereditary Cancer Syndrome; Hereditary neoplastic syndrome. Identifiers: Orphanet 140162, MedGen C0027672, MeSH D009386, MONDO:0015356.
Hereditary breast ovarian cancer syndrome. Also called: BRCA1- and BRCA2-Associated Hereditary Breast and Ovarian Cancer; Hereditary breast and ovarian cancer syndrome; Hereditary breast and ovarian cancer; Hereditary breast and ovarian cancer syndrome (HBOC); Breast and ovarian cancer; Hereditary breast and/or ovarian cancer syndrome. Identifiers: Orphanet 145, MedGen C0677776, MeSH D061325, MONDO:0003582. Disease mechanism: loss of function.

Submissions (3):

Labcorp Genetics (formerly Invitae), Labcorp
Classification: Uncertain significance for Hereditary breast ovarian cancer syndrome. Last evaluated: 2023-09-15. Review status: criteria provided, single submitter. Criteria: Invitae Variant Classification Sherloc (09022015). Collection method: clinical testing. Allele origin: germline.
Comment: This variant is not present in population databases (gnomAD no frequency). This sequence change replaces leucine, which is neutral and non-polar, with valine, which is neutral and non-polar, at codon 1930 of the BRCA2 protein (p.Leu1930Val). This variant has not been reported in the literature in individuals affected with BRCA2-related conditions. ClinVar contains an entry for this variant (Variation ID: 921273). Advanced modeling of protein sequence and biophysical properties (such as structural, functional, and spatial information, amino acid conservation, physicochemical variation, residue mobility, and thermodynamic stability) performed at Invitae indicates that this missense variant is not expected to disrupt BRCA2 protein function. In summary, the available evidence is currently insufficient to determine the role of this variant in disease. Therefore, it has been classified as a Variant of Uncertain Significance.

University of Washington Department of Laboratory Medicine, University of Washington
Classification: Likely benign for Hereditary cancer-predisposing syndrome. Last evaluated: 2023-03-23. Review status: criteria provided, single submitter. Criteria: Dines et al. (Genet Med. 2020). Collection method: curation. Allele origin: germline.
Comment: Missense variant in a coldspot region where missense variants are very unlikely to be pathogenic (PMID:31911673).

BRCA2 exon 11 coldspot. Reclassification based on statistical prior probability.

Color Diagnostics, LLC DBA Color Health
Classification: Uncertain significance for Hereditary cancer-predisposing syndrome. Last evaluated: 2019-06-28. Review status: criteria provided, single submitter. Criteria: ACMG Guidelines, 2015. Collection method: clinical testing. Allele origin: germline.